The following is an entry in ClinVar:

ClinVar aggregate classification (germline): Uncertain significance (1 of 4 stars; one submission).

Conditions:
PCNT-related disorder. Also called: PCNT-related condition.

gnomAD v4.1: 8 of 1,612,716 alleles (0.0005%); highest among the groups gnomAD compares: African/African-American, 0.0027%; no homozygotes.

Submission:

PreventionGenetics, part of Exact Sciences
Classification: Uncertain significance for PCNT-related condition. Last evaluated: 2026-05-26. Review status: criteria provided, single submitter. Criteria: ACMG Guidelines, 2015. Collection method: clinical testing. Allele origin: germline.
Comment: The PCNT c.367A>G variant is predicted to result in the amino acid substitution p.Ser123Gly. To our knowledge, this variant has not been reported in the literature. This variant is reported in 0.0062% of alleles in individuals of African descent in gnomAD. At this time, the clinical significance of this variant is uncertain due to the absence of conclusive functional and genetic evidence.

NM_006031.6(PCNT):c.367A>G (p.Ser123Gly)

Gene: PCNT (pericentrin; plus strand). Cytogenetic location: 21q22.3.
Variant type: single nucleotide variant.
Coding change: c.367A>G on transcript NM_006031.6 (MANE Select); coding-DNA position 367, A replaced by G.
Protein change: p.Ser123Gly; replaces serine 123 with glycine.
Molecular consequence: missense variant.
Genome position (GRCh38, 1-based): chr21:46,334,496, A>G. VCF-style: chr21-46334496-A-G. GRCh37 (hg19) VCF-style: chr21-47754410-A-G.
Other names: c.13A>G, p.Ser5Gly (NM_001315529.2); short protein forms S123G, S5G.
Identifiers: ClinVar variation 4982708 (VCV004982708.1).